The following is an entry in ClinVar:

ClinVar aggregate classification (germline): Uncertain significance (1 of 4 stars; one submission).

gnomAD v4.1: 1 of 1,613,974 alleles (0.000062%); highest among the groups gnomAD compares: East Asian, 0.0022%; no homozygotes.

Submission:

Labcorp Genetics (formerly Invitae), Labcorp
Classification: Uncertain significance. Last evaluated: 2025-01-06. Review status: criteria provided, single submitter. Criteria: Invitae Variant Classification Sherloc (09022015). Collection method: clinical testing. Allele origin: germline.
Comment: This sequence change replaces proline, which is neutral and non-polar, with threonine, which is neutral and polar, at codon 693 of the USH2A protein (p.Pro693Thr). This variant is not present in population databases (gnomAD no frequency). This variant has not been reported in the literature in individuals affected with USH2A-related conditions. ClinVar contains an entry for this variant (Variation ID: 1006357). Invitae Evidence Modeling of protein sequence and biophysical properties (such as structural, functional, and spatial information, amino acid conservation, physicochemical variation, residue mobility, and thermodynamic stability) indicates that this missense variant is not expected to disrupt USH2A protein function with a negative predictive value of 95%. In summary, the available evidence is currently insufficient to determine the role of this variant in disease. Therefore, it has been classified as a Variant of Uncertain Significance.

NM_206933.4(USH2A):c.2077C>A (p.Pro693Thr)

Gene: USH2A (usherin; minus strand). Cytogenetic location: 1q41.
Variant type: single nucleotide variant.
Coding change: c.2077C>A on transcript NM_206933.4 (MANE Select); coding-DNA position 2077, C replaced by A.
Protein change: p.Pro693Thr; replaces proline 693 with threonine.
Molecular consequence: missense variant.
Genome position (GRCh38, 1-based): chr1:216,250,993, G>T on the plus strand (C>A on the coding strand, the complement: USH2A is on the minus strand). VCF-style: chr1-216250993-G-T. GRCh37 (hg19) VCF-style: chr1-216424335-G-T.
Other names: c.2077C>A, p.Pro693Thr (NM_007123.6); short protein forms P693T.
Identifiers: ClinVar variation 1006357 (VCV001006357.8), dbSNP rs1571622904, ClinGen allele CA344866396.